The following is an entry in ClinVar:

NM_000047.3(ARSL):c.934G>A (p.Gly312Arg)

Gene: ARSL (arylsulfatase L; minus strand). Cytogenetic location: Xp22.33.
Variant type: single nucleotide variant.
Coding change: c.934G>A on transcript NM_000047.3 (MANE Select); coding-DNA position 934, G replaced by A.
Protein change: p.Gly312Arg; replaces glycine 312 with arginine.
Molecular consequence: missense variant.
Genome position (GRCh38, 1-based): chrX:2,946,055, C>T on the plus strand (G>A on the coding strand, the complement: ARSL is on the minus strand). VCF-style: chrX-2946055-C-T. GRCh37 (hg19) VCF-style: chrX-2864096-C-T.
Other names: c.1009G>A, p.Gly337Arg (NM_001282628.2, NM_001369080.1); c.772G>A, p.Gly258Arg (NM_001282631.2); c.961G>A, p.Gly321Arg (NM_001369079.1); c.934G>A (NM_000047.2); short protein forms G258R, G312R, G321R, G337R.
Identifiers: ClinVar variation 1683193 (VCV001683193.4), dbSNP rs773935389, ClinGen allele CA10338121.
Genomic context (GRCh38, chrX:2,946,055, plus strand): 5'-TACCTACCATCCAGTCCATCTCCTCTACGTTGTCCCCATACAGCCCGTGGAGACTCTTCC[C>T]GAGGAAGTTCTCCATAGTGATAAGAGGGATGTGAACGTGTAGAAAGGAAACAAAGAGGAG-3'
Protein context (NP_000038.2, residues 302-322): IPLITMENFL[Gly312Arg]KSLHGLYGDN

ClinVar aggregate classification (germline): Conflicting classifications of pathogenicity. Review status: criteria provided, conflicting classifications (1 of 4 stars). 2 submissions from 2 submitters: Uncertain significance (1); Likely benign (1). Last evaluated 2024-11-26.

Conditions:
Chondrodysplasia punctata, brachytelephalangic, autosomal. Also called: BRACHYTELEPHALANGIC CHONDRODYSPLASIA PUNCTATA. Identifiers: MedGen C1844853, MONDO:0011238, OMIM 602497.
Inborn genetic diseases. Identifiers: MedGen C0950123, MeSH D030342.

Allele frequency attached by ClinVar (database versions not stated): ExAC 0.00009.
gnomAD v4.1: 40 of 1,208,478 alleles (0.0033%); highest among the groups gnomAD compares: East Asian, 0.015%; no homozygotes.

Submissions (2):

Ambry Genetics
Classification: Likely benign for Inborn genetic diseases. Last evaluated: 2024-11-26. Review status: criteria provided, single submitter. Criteria: Ambry Variant Classification Scheme 2023. Collection method: clinical testing. Allele origin: germline.

Labcorp Genetics (formerly Invitae), Labcorp
Classification: Uncertain significance for Chondrodysplasia punctata, brachytelephalangic, autosomal. Last evaluated: 2021-11-09. Review status: criteria provided, single submitter. Criteria: Invitae Variant Classification Sherloc (09022015). Collection method: clinical testing. Allele origin: germline.
Comment: This sequence change replaces glycine, which is neutral and non-polar, with arginine, which is basic and polar, at codon 312 of the ARSE protein (p.Gly312Arg). This variant is present in population databases (rs773935389, gnomAD 0.01%). This variant has not been reported in the literature in individuals affected with ARSE-related conditions. Algorithms developed to predict the effect of missense changes on protein structure and function (SIFT, PolyPhen-2, Align-GVGD) all suggest that this variant is likely to be disruptive. In summary, the available evidence is currently insufficient to determine the role of this variant in disease. Therefore, it has been classified as a Variant of Uncertain Significance.